The following is an entry in ClinVar:

ClinVar aggregate classification (germline): Pathogenic. Review status: criteria provided, multiple submitters, no conflicts (2 of 4 stars). 5 submissions from 5 submitters: Pathogenic (5). Last evaluated 2025-02-01.

Conditions:
COL4A3-related disorder. Also called: COL4A3-related condition; COL4A3-Related Disorders.
Alport syndrome. Also called: Hemorrhagic familial nephritis; Hemorrhagic hereditary nephritis; Congenital hereditary hematuria. Identifiers: Orphanet 63, MedGen C1567741, MONDO:0018965.
Autosomal dominant Alport syndrome (ATS3A). Also called: Alport syndrome dominant type; Renal failure and sensorineural hearing loss; ALPORT SYNDROME 3A, AUTOSOMAL DOMINANT. Identifiers: Orphanet 63, Orphanet 88918, MedGen C5882663, MONDO:0007086, OMIM 104200.

Submissions (5):

CeGaT Center for Human Genetics Tuebingen
Classification: Pathogenic. Last evaluated: 2025-02-01. Review status: criteria provided, single submitter. Criteria: CeGaT Center For Human Genetics Tuebingen Variant Classification Criteria Version 2. Collection method: clinical testing. Allele origin: germline. Affected: yes. Observed: 1 variant allele.
Comment: COL4A3: PP1:Strong, PS4, PVS1:Strong, PM2, PS1:Supporting

Blueprint Genetics
Classification: Pathogenic for COL4A3-related disorders. Last evaluated: 2023-11-13. Review status: criteria provided, single submitter. Criteria: ACMG Guidelines, 2015. Collection method: clinical testing. Allele origin: germline. Affected: yes. Observed: 1 variant allele.

Labcorp Genetics (formerly Invitae), Labcorp
Classification: Pathogenic. Last evaluated: 2023-05-30. Review status: criteria provided, single submitter. Criteria: Invitae Variant Classification Sherloc (09022015). Collection method: clinical testing. Allele origin: germline.
Comment: For these reasons, this variant has been classified as Pathogenic. Algorithms developed to predict the effect of sequence changes on RNA splicing suggest that this variant may disrupt the consensus splice site. ClinVar contains an entry for this variant (Variation ID: 1064607). Disruption of this splice site has been observed in individuals with Alport syndrome (PMID: 35880347). It has also been observed to segregate with disease in related individuals. This variant is not present in population databases (gnomAD no frequency). This sequence change affects a donor splice site in intron 34 of the COL4A3 gene. It is expected to disrupt RNA splicing. Variants that disrupt the donor or acceptor splice site typically lead to a loss of protein function (PMID: 16199547), and loss-of-function variants in COL4A3 are known to be pathogenic (PMID: 8956999, 24854265, 26809805, 27281700).

Victorian Clinical Genetics Services, Murdoch Childrens Research Institute
Classification: Pathogenic for Alport syndrome. Last evaluated: 2022-02-02. Review status: criteria provided, single submitter. Criteria: ACMG Guidelines, 2015. Collection method: clinical testing. Allele origin: germline. Affected: yes.
Comment: Based on the classification scheme VCGS_Germline_v1.3.4, this variant is classified as Pathogenic. Following criteria are met: 0103 - Dominant-negative and loss-of-function are known mechanisms of disease in this gene and are associated with COL4A3-related nephropathy. Glycine changes that are part of a G-X-Y repeat in the triple helix of a collagen domain are known to have a dominant-negative effect (PMID: 12028435). (I) 0108 - This gene is associated with both recessive (Alport syndrome 2 MIM#203780) and dominant disease (Alport syndrome 3 MIM#104200 and benign familial hematuria MIM#141200) (OMIM). (I) 0210 - Splice site variant proven to affect splicing of the transcript with a known effect on protein sequence. RT-PCR on mRNA extracted from fibroblasts of an affected individual has shown that this variant causes in-frame exon 34 skipping resulting in the loss of 45 amino acids (NM_000091.4(COL4A3):c.2747_2881del; p.(Ser917_Gly961del)) (Splicing Diagnostics, Kids Neuroscience Centre). (SP) 0251 - This variant is heterozygous. (I) 0301 - Variant is absent from gnomAD (both v2 and v3). (SP) 0601 - Variant is located in the well-established functional collagen domain (PDB, Decipher). The in-frame deletion of exon 34 results in loss of part of the triple helix repeat of this protein (PDB). (SP) 0704 - Other canonical splice site variants comparable to the one identified in this case have limited previous evidence for pathogenicity. The alternative change c.2881+1G>T has been reported as likely pathogenic by a clinical laboratory (LOVD) and pathogenic within a research setting (ClinVar). (SP) 0803 - This variant has limited previous evidence of pathogenicity in individuals with autosomal dominant Alport syndrome (LOVD, ClinVar). (SP) 0905 - No published segregation evidence has been identified for this variant. (I) 1007 - No published functional evidence has been identified for this variant. (I) 1208 - Inheritance information for this variant is not currently available in this individual. (I) Legend: (SP) - Supporting pathogenic, (I) - Information, (SB) - Supporting benign

Kids Neuroscience Centre, Sydney Children's Hospitals Network
Classification: Pathogenic for Autosomal dominant Alport syndrome. Review status: criteria provided, single submitter. Criteria: Bournazos AM et al. (Genet Med 2021). Collection method: clinical testing. Allele origin: unknown. Inheritance: Autosomal dominant inheritance. Affected: yes. Observed: 1 heterozygote.
Comment: We detect one abnormal splicing event, in-frame exon 34 skipping (r.2747_2881del). This event removes 45 amino acids from the Collagen triple helix repeat domain (Gly-X-X) of COL4A3 (p.(Ser917_Gly961del)), including 14 highly conserved Glycine residues. Functional impact due to loss of these residues is supported by previous reports in ClinVar and LOVD of five likely pathogenic (RCV000681806.1; RCV001029989.1; COL4A3_000660; COL4A3_000661; COL4A3_000420) missense variants affecting conserved residues encoded by COL4A3 exon 34.

Literature cited by the submitters: PubMed 35880347 (cited by Labcorp Genetics (formerly Invitae), Labcorp); PubMed 16199547 (cited by Labcorp Genetics (formerly Invitae), Labcorp); PubMed 8956999 (cited by Labcorp Genetics (formerly Invitae), Labcorp); PubMed 24854265 (cited by Labcorp Genetics (formerly Invitae), Labcorp); PubMed 26809805 (cited by Labcorp Genetics (formerly Invitae), Labcorp); PubMed 27281700 (cited by Labcorp Genetics (formerly Invitae), Labcorp); PubMed 12028435 (cited by Victorian Clinical Genetics Services, Murdoch Childrens Research Institute).

NM_000091.5(COL4A3):c.2881+1G>A

Genes: MFF-DT (MFF divergent transcript; minus strand), COL4A3 (collagen type IV alpha 3 chain; plus strand). Cytogenetic location: 2q36.3.
Variant type: single nucleotide variant.
Coding change: c.2881+1G>A on transcript NM_000091.5 (MANE Select); the canonical splice donor site of the intron after coding-DNA position 2881, G replaced by A.
Molecular consequence: splice donor variant.
Genome position (GRCh38, 1-based): chr2:227,284,346, G>A. VCF-style: chr2-227284346-G-A. GRCh37 (hg19) VCF-style: chr2-228149062-G-A.
Identifiers: ClinVar variation 1064607 (VCV001064607.25), dbSNP rs1559899827, ClinGen allele CA350852596.
Genomic context (GRCh38, chr2:227,284,346, plus strand): 5'-ATCCCGGGCCTTCAGAGATATCCCACGTAATAGGGGACAAAGGAGAACCAGGTCTCAAAG[G>A]TAAAGAATTGCTTGTTTGGAATCAGGACATCAGAGCTGATTCTCAGGCTAATAAATTATC-3'